The following is an entry in ClinVar:

NM_002265.6(KPNB1):c.701dup (p.Val235fs)

Gene: KPNB1 (karyopherin subunit beta 1; plus strand). Cytogenetic location: 17q21.32.
Variant type: Duplication.
Coding change: c.701dup on transcript NM_002265.6 (MANE Select); coding-DNA position 701, one base duplicated (G; older notation c.701dupG).
Protein change: p.Val235fs; shifts the reading frame from valine 235.
Molecular consequence: frameshift variant.
Genome position (GRCh38, 1-based): chr17:47,663,093, G duplicated. VCF-style (leftmost placement, unchanged base first): chr17-47663092-C-CG. GRCh37 (hg19) VCF-style: chr17-45740458-C-CG.
Other names: c.266dup, p.Val90fs (NM_001276453.2); short protein forms V235fs, V90fs.
Identifiers: ClinVar variation 4538357 (VCV004538357.1).

ClinVar aggregate classification (germline): Uncertain significance (1 of 4 stars; one submission).

Submission:

Greenwood Genetic Center Diagnostic Laboratories, Greenwood Genetic Center
Classification: Uncertain significance. Last evaluated: 2025-04-14. Review status: criteria provided, single submitter. Criteria: ACMG Guidelines, 2015. Collection method: clinical testing. Allele origin: germline. Affected: yes.
Comment: Gene of Uncertain Significance